The following is an entry in ClinVar:

ClinVar aggregate classification (germline): Uncertain significance. Review status: criteria provided, multiple submitters, no conflicts (2 of 4 stars). 3 submissions from 3 submitters: Uncertain significance (2). 1 of the submissions does not count toward it. Last evaluated 2026-01-31.

Conditions:
KCNJ11-related disorder. Also called: KCNJ11-related condition; KCNJ11-related disorders.

Submissions (3):

Labcorp Genetics (formerly Invitae), Labcorp
Classification: Uncertain significance. Last evaluated: 2026-01-31. Review status: criteria provided, single submitter. Criteria: Invitae Variant Classification Sherloc (09022015). Collection method: clinical testing. Allele origin: germline.
Comment: This sequence change replaces serine, which is neutral and polar, with leucine, which is neutral and non-polar, at codon 363 of the KCNJ11 protein (p.Ser363Leu). This variant is present in population databases (no rsID available, gnomAD 0.002%). This variant has not been reported in the literature in individuals affected with KCNJ11-related conditions. ClinVar contains an entry for this variant (Variation ID: 1962252). An algorithm developed to predict the effect of missense changes on protein structure and function (PolyPhen-2) suggests that this variant is likely to be tolerated. In summary, the available evidence is currently insufficient to determine the role of this variant in disease. Therefore, it has been classified as a Variant of Uncertain Significance.

Women's Health and Genetics/Laboratory Corporation of America, LabCorp
Classification: Uncertain significance. Last evaluated: 2024-04-25. Review status: criteria provided, single submitter. Criteria: LabCorp Variant Classification Summary - May 2015. Collection method: clinical testing. Allele origin: germline.
Comment: Variant summary: KCNJ11 c.1088_1089delinsTG (p.Ser363Leu) results in a non-conservative amino acid change in the encoded protein sequence. Three of five in-silico tools predict a benign effect of the variant on protein function. The variant allele (as a multinucleotide combination of 11-17408551-G-A (c.1088C>T, p.Ser363Leu) and 11-17408550-T-C (c.1089A>G, p.Ser363Ser)) was found at a frequency of 2.5e-05 in 282434 control chromosomes in the gnomAD database. The available data on variant occurrences in the general population are insufficient to allow any conclusion about variant significance. To our knowledge, no occurrence of c.1088_1089delinsTG in individuals affected with Neonatal Diabetes Mellitus/Maturity Onset Diabetes Of The Young and no experimental evidence demonstrating its impact on protein function have been reported. ClinVar contains an entry for this variant (Variation ID: 1962252). Based on the evidence outlined above, the variant was classified as uncertain significance.

PreventionGenetics, part of Exact Sciences
Classification: Uncertain significance for KCNJ11-related condition. Last evaluated: 2023-12-29. Review status: no assertion criteria provided. Collection method: clinical testing. Allele origin: germline. Not counted in ClinVar's aggregate classification.
Comment: The KCNJ11 c.1088_1089delinsTG variant is predicted to result in an in-frame deletion and insertion. To our knowledge, this variant has not been reported in the literature or in a large population database, indicating this variant is rare. At this time, the clinical significance of this variant is uncertain due to the absence of conclusive functional and genetic evidence.

NM_000525.4(KCNJ11):c.1088_1089inv (p.Ser363Leu)

Gene: KCNJ11 (potassium inwardly rectifying channel subfamily J member 11; minus strand). Cytogenetic location: 11p15.1.
Variant type: Inversion.
Coding change: c.1088_1089inv on transcript NM_000525.4 (MANE Select).
Protein change: p.Ser363Leu; replaces serine 363 with leucine.
Molecular consequence: missense variant.
Genome position: GRCh38 VCF-style: chr11-17387003-TG-CA. GRCh37 (hg19) VCF-style: chr11-17408550-TG-CA.
Other names: c.1088_1089delinsTG (NM_000525.4); c.827_828inv, p.Ser276Leu (NM_001166290.2, NM_001377296.1, NM_001377297.1); short protein forms S276L, S363L.
Identifiers: ClinVar variation 1962252 (VCV001962252.6), ClinGen allele CA2580082761.